The following is an entry in ClinVar:

NM_001365951.3(KIF1B):c.2558G>T (p.Arg853Leu)

Gene: KIF1B (kinesin family member 1B; plus strand). Cytogenetic location: 1p36.22.
Variant type: single nucleotide variant.
Coding change: c.2558G>T on transcript NM_001365951.3 (MANE Select); coding-DNA position 2558, G replaced by T.
Protein change: p.Arg853Leu; replaces arginine 853 with leucine.
Molecular consequence: missense variant.
Genome position (GRCh38, 1-based): chr1:10,324,778, G>T. VCF-style: chr1-10324778-G-T. GRCh37 (hg19) VCF-style: chr1-10384836-G-T.
Other names: c.2558G>T, p.Arg853Leu (NM_001365952.1); c.2420G>T, p.Arg807Leu (NM_015074.3); short protein forms R853L, R807L.
Identifiers: ClinVar variation 4841889 (VCV004841889.1).

ClinVar aggregate classification (germline): Uncertain significance (1 of 4 stars; one submission).

Submission:

Ambry Genetics
Classification: Uncertain significance. Last evaluated: 2026-01-13. Review status: criteria provided, single submitter. Criteria: Ambry Variant Classification Scheme 2023. Collection method: clinical testing. Allele origin: germline.
Comment: The p.R807L variant (also known as c.2420G>T), located in coding exon 23 of the KIF1B gene, results from a G to T substitution at nucleotide position 2420. The arginine at codon 807 is replaced by leucine, an amino acid with dissimilar properties. This amino acid position is conserved. In addition, this alteration is predicted to be deleterious by in silico analysis. Based on the available evidence, the clinical significance of this variant remains unclear.